The following is an entry in ClinVar:

ClinVar aggregate classification (germline): Uncertain significance (1 of 4 stars; one submission).

Allele frequency attached by ClinVar (database versions not stated): gnomAD exomes below 0.00001.
gnomAD v4.1: 2 of 1,614,182 alleles (0.00012%); highest among the groups gnomAD compares: Non-Finnish European, 0.00017%; no homozygotes.

Submission:

Labcorp Genetics (formerly Invitae), Labcorp
Classification: Uncertain significance. Last evaluated: 2022-08-07. Review status: criteria provided, single submitter. Criteria: Invitae Variant Classification Sherloc (09022015). Collection method: clinical testing. Allele origin: germline.
Comment: In summary, the available evidence is currently insufficient to determine the role of this variant in disease. Therefore, it has been classified as a Variant of Uncertain Significance. Algorithms developed to predict the effect of missense changes on protein structure and function output the following: SIFT: "Tolerated"; PolyPhen-2: "Benign"; Align-GVGD: "Class C0". The serine amino acid residue is found in multiple mammalian species, which suggests that this missense change does not adversely affect protein function. This variant has not been reported in the literature in individuals affected with AGBL5-related conditions. This variant is not present in population databases (gnomAD no frequency). This sequence change replaces asparagine, which is neutral and polar, with serine, which is neutral and polar, at codon 373 of the AGBL5 protein (p.Asn373Ser).

NM_021831.6(AGBL5):c.1118A>G (p.Asn373Ser)

Gene: AGBL5 (AGBL carboxypeptidase 5; plus strand). Cytogenetic location: 2p23.3.
Variant type: single nucleotide variant.
Coding change: c.1118A>G on transcript NM_021831.6 (MANE Select); coding-DNA position 1118, A replaced by G.
Protein change: p.Asn373Ser; replaces asparagine 373 with serine.
Molecular consequence: missense variant. On other transcripts: non-coding transcript variant (2).
Genome position (GRCh38, 1-based): chr2:27,055,891, A>G. VCF-style: chr2-27055891-A-G. GRCh37 (hg19) VCF-style: chr2-27278759-A-G.
Other names: c.1118A>G, p.Asn373Ser (NM_001035506.1, NM_001035507.3); short protein forms N373S.
Identifiers: ClinVar variation 1715541 (VCV001715541.5), dbSNP rs2465463476, ClinGen allele CA346179265.